The following is an entry in ClinVar:

ClinVar aggregate classification (germline): Uncertain significance. Review status: criteria provided, multiple submitters, no conflicts (2 of 4 stars). 2 submissions from 2 submitters: Uncertain significance (2). Last evaluated 2024-01-22.

Conditions:
Progressive myoclonic epilepsy type 9. Identifiers: Orphanet 457265, MedGen C4225289, MONDO:0014685, OMIM 616540.
Lipodystrophy, partial, acquired, susceptibility to (APLD). Also called: APLD, SUSCEPTIBILITY TO. Identifiers: MedGen C3887501, MONDO:0100476, OMIM 608709.

Allele frequency attached by ClinVar (database versions not stated): gnomAD 0.00001; ESP Exome Variant Server 0.00015.
gnomAD v4.1: 8 of 1,614,048 alleles (0.0005%); highest among the groups gnomAD compares: Non-Finnish European, 0.00068%; no homozygotes.

Submissions (2):

Labcorp Genetics (formerly Invitae), Labcorp
Classification: Uncertain significance for Progressive myoclonic epilepsy type 9; Lipodystrophy, partial, acquired, susceptibility to. Last evaluated: 2024-01-22. Review status: criteria provided, single submitter. Criteria: Invitae Variant Classification Sherloc (09022015). Collection method: clinical testing. Allele origin: germline.
Comment: This sequence change replaces glutamic acid, which is acidic and polar, with glutamine, which is neutral and polar, at codon 593 of the LMNB2 protein (p.Glu593Gln). This variant is present in population databases (rs375038177, gnomAD 0.002%). This variant has not been reported in the literature in individuals affected with LMNB2-related conditions. ClinVar contains an entry for this variant (Variation ID: 1442294). Advanced modeling of protein sequence and biophysical properties (such as structural, functional, and spatial information, amino acid conservation, physicochemical variation, residue mobility, and thermodynamic stability) performed at Invitae indicates that this missense variant is not expected to disrupt LMNB2 protein function with a negative predictive value of 80%. In summary, the available evidence is currently insufficient to determine the role of this variant in disease. Therefore, it has been classified as a Variant of Uncertain Significance.

CeGaT Center for Human Genetics Tuebingen
Classification: Uncertain significance. Last evaluated: 2023-08-01. Review status: criteria provided, single submitter. Criteria: CeGaT Center For Human Genetics Tuebingen Variant Classification Criteria Version 2. Collection method: clinical testing. Allele origin: germline. Affected: yes. Observed: 1 variant allele.
Comment: LMNB2: PM2, BP4

NM_032737.4(LMNB2):c.1777G>C (p.Glu593Gln)

Gene: LMNB2 (lamin B2; minus strand). Cytogenetic location: 19p13.3.
Variant type: single nucleotide variant.
Coding change: c.1777G>C on transcript NM_032737.4 (MANE Select); coding-DNA position 1777, G replaced by C.
Protein change: p.Glu593Gln; replaces glutamic acid 593 with glutamine.
Molecular consequence: missense variant.
Genome position (GRCh38, 1-based): chr19:2,431,592, C>G on the plus strand (G>C on the coding strand, the complement: LMNB2 is on the minus strand). VCF-style: chr19-2431592-C-G. GRCh37 (hg19) VCF-style: chr19-2431590-C-G.
Other names: short protein forms E593Q.
Identifiers: ClinVar variation 1442294 (VCV001442294.31), dbSNP rs375038177, ClinGen allele CA9067304.
Genomic context (GRCh38, chr19:2,431,592, plus strand): 5'-GGCACAGGGGTCCTACCTGTTGGTGGAAAAGATCCTCCTCGCCAAACTCGGCTTCCTCCT[C>G]CTCTTCCTCCCCATTCTCATTCTCACGCATCACCGAGGACTTCTTCACAGTCCTCATGGC-3'
Protein context (NP_116126.3, residues 583-603): MRENENGEEE[Glu593Gln]EEAEFGEEDL